The following is an entry in ClinVar:

NM_013447.4(ADGRE2):c.1564G>A (p.Val522Ile)

Gene: ADGRE2 (adhesion G protein-coupled receptor E2; minus strand). Cytogenetic location: 19p13.12.
Variant type: single nucleotide variant.
Coding change: c.1564G>A on transcript NM_013447.4 (MANE Select); coding-DNA position 1564, G replaced by A.
Protein change: p.Val522Ile; replaces valine 522 with isoleucine.
Molecular consequence: missense variant. On other transcripts: intron variant (1).
Genome position (GRCh38, 1-based): chr19:14,754,980, C>T on the plus strand (G>A on the coding strand, the complement: ADGRE2 is on the minus strand). VCF-style: chr19-14754980-C-T. GRCh37 (hg19) VCF-style: chr19-14865792-C-T.
Other names: c.1417G>A, p.Val473Ile (NM_152916.2); c.1285G>A, p.Val429Ile (NM_152917.2); c.1416+674G>A (NM_001271052.1); short protein forms V522I, V429I, V473I.
Identifiers: ClinVar variation 2717263 (VCV002717263.3), dbSNP rs542436363, ClinGen allele CA9257683.

ClinVar aggregate classification (germline): Uncertain significance (1 of 4 stars; one submission).

Allele frequency attached by ClinVar (database versions not stated): ExAC 0.00001; gnomAD exomes 0.00002; gnomAD 0.00005; TOPMed 0.00005; 1000 Genomes Project 30x 0.00016; 1000 Genomes Project 0.00020.
gnomAD v4.1: 36 of 1,614,006 alleles (0.0022%); highest among the groups gnomAD compares: South Asian, 0.0066%; no homozygotes.

Submission:

Labcorp Genetics (formerly Invitae), Labcorp
Classification: Uncertain significance. Last evaluated: 2025-04-28. Review status: criteria provided, single submitter. Criteria: Invitae Variant Classification Sherloc (09022015). Collection method: clinical testing. Allele origin: germline.
Comment: This sequence change replaces valine, which is neutral and non-polar, with isoleucine, which is neutral and non-polar, at codon 522 of the ADGRE2 protein (p.Val522Ile). This variant is present in population databases (rs542436363, gnomAD 0.003%). This variant has not been reported in the literature in individuals affected with ADGRE2-related conditions. ClinVar contains an entry for this variant (Variation ID: 2717263). An algorithm developed to predict the effect of missense changes on protein structure and function outputs the following: PolyPhen-2: "Possibly Damaging". The isoleucine amino acid residue is found in multiple mammalian species, which suggests that this missense change does not adversely affect protein function. In summary, the available evidence is currently insufficient to determine the role of this variant in disease. Therefore, it has been classified as a Variant of Uncertain Significance.